The following is an entry in ClinVar:

ClinVar aggregate classification (germline): Conflicting classifications of pathogenicity. Review status: criteria provided, conflicting classifications (1 of 4 stars). 2 submissions from 2 submitters: Uncertain significance (1); Benign (1). Last evaluated 2024-05-28.

Conditions:
Intellectual developmental disorder, X-linked 99. Also called: Intellectual disability, X-linked 99. Identifiers: Orphanet 777, MedGen C3806746, MONDO:0010487, OMIM 300919.

Allele frequency attached by ClinVar (database versions not stated): gnomAD 0.00014 and 0.00013; ExAC 0.00008; 1000 Genomes Project 30x 0.00042; TOPMed 0.00009; 1000 Genomes Project 0.00026.
gnomAD v4.1: 90 of 1,207,803 alleles (0.0075%); highest among the groups gnomAD compares: African/African-American, 0.056%; no homozygotes.

Submissions (2):

Labcorp Genetics (formerly Invitae), Labcorp
Classification: Benign. Last evaluated: 2024-05-28. Review status: criteria provided, single submitter. Criteria: Invitae Variant Classification Sherloc (09022015). Collection method: clinical testing. Allele origin: germline.

Baylor Genetics
Classification: Uncertain significance for Intellectual developmental disorder, X-linked 99. Last evaluated: 2019-03-26. Review status: criteria provided, single submitter. Criteria: ACMG Guidelines, 2015. Collection method: clinical testing. Allele origin: unknown. Affected: yes.
Comment: This variant was determined to be of uncertain significance according to ACMG Guidelines, 2015 [PMID:25741868].

NM_001039591.3(USP9X):c.131C>T (p.Pro44Leu)

Gene: USP9X (ubiquitin specific peptidase 9 X-linked; plus strand). Cytogenetic location: Xp11.4.
Variant type: single nucleotide variant.
Coding change: c.131C>T on transcript NM_001039591.3 (MANE Select); coding-DNA position 131, C replaced by T.
Protein change: p.Pro44Leu; replaces proline 44 with leucine.
Molecular consequence: missense variant.
Genome position (GRCh38, 1-based): chrX:41,129,034, C>T. VCF-style: chrX-41129034-C-T. GRCh37 (hg19) VCF-style: chrX-40988287-C-T.
Other names: c.131C>T, p.Pro44Leu (NM_001039590.3); short protein forms P44L.
Identifiers: ClinVar variation 1028480 (VCV001028480.3), dbSNP rs149866601, ClinGen allele CA10388271.